The following is an entry in ClinVar:

NM_018896.5(CACNA1G):c.5975C>G (p.Ser1992Cys)

Gene: CACNA1G (calcium voltage-gated channel subunit alpha1 G; plus strand). Cytogenetic location: 17q21.33.
Variant type: single nucleotide variant.
Coding change: c.5975C>G on transcript NM_018896.5 (MANE Select); coding-DNA position 5975, C replaced by G.
Protein change: p.Ser1992Cys; replaces serine 1992 with cysteine.
Molecular consequence: missense variant. On other transcripts: intron variant (24).
Genome position (GRCh38, 1-based): chr17:50,621,709, C>G. VCF-style: chr17-50621709-C-G. GRCh37 (hg19) VCF-style: chr17-48699070-C-G.
Other names: c.5942C>G, p.Ser1981Cys (NM_198377.3); c.5762C>G, p.Ser1921Cys (NM_198383.3); c.5873C>G, p.Ser1958Cys (NM_198396.3); c.5803-2198C>G (NM_001256325.2); c.5892+1883C>G (NM_198380.3); c.5749-2198C>G (NM_198378.3, NM_001256334.2); c.5925+1883C>G (NM_198385.3); c.5782-2198C>G (NM_198384.3, NM_001256333.2); and 15 more; short protein forms S1958C, S1921C, S1992C, S1981C.
Identifiers: ClinVar variation 2780184 (VCV002780184.3), dbSNP rs749251748, ClinGen allele CA400268047.

ClinVar aggregate classification (germline): Uncertain significance (1 of 4 stars; one submission).

Allele frequency attached by ClinVar (database versions not stated): TOPMed 0.00001.
gnomAD v4.1: 5 of 1,613,958 alleles (0.00031%); highest among the groups gnomAD compares: Admixed American, 0.005%; no homozygotes.

Submission:

Labcorp Genetics (formerly Invitae), Labcorp
Classification: Uncertain significance. Last evaluated: 2024-10-24. Review status: criteria provided, single submitter. Criteria: Invitae Variant Classification Sherloc (09022015). Collection method: clinical testing. Allele origin: germline.
Comment: This sequence change replaces serine, which is neutral and polar, with cysteine, which is neutral and slightly polar, at codon 1992 of the CACNA1G protein (p.Ser1992Cys). This variant is present in population databases (no rsID available, gnomAD 0.003%). This variant has not been reported in the literature in individuals affected with CACNA1G-related conditions. Invitae Evidence Modeling of protein sequence and biophysical properties (such as structural, functional, and spatial information, amino acid conservation, physicochemical variation, residue mobility, and thermodynamic stability) has been performed for this missense variant. However, the output from this modeling did not meet the statistical confidence thresholds required to predict the impact of this variant on CACNA1G protein function. In summary, the available evidence is currently insufficient to determine the role of this variant in disease. Therefore, it has been classified as a Variant of Uncertain Significance.